The following is an entry in ClinVar:

NM_001371986.1(UNC80):c.5617C>T (p.Arg1873Cys)

Gene: UNC80 (unc-80 subunit of NALCN channel complex; plus strand). Cytogenetic location: 2q34.
Variant type: single nucleotide variant.
Coding change: c.5617C>T on transcript NM_001371986.1 (MANE Select); coding-DNA position 5617, C replaced by T.
Protein change: p.Arg1873Cys; replaces arginine 1873 with cysteine.
Molecular consequence: missense variant.
Genome position (GRCh38, 1-based): chr2:209,922,338, C>T. VCF-style: chr2-209922338-C-T. GRCh37 (hg19) VCF-style: chr2-210787062-C-T.
Other names: c.5419C>T, p.Arg1807Cys (NM_032504.2); c.5404C>T, p.Arg1802Cys (NM_182587.4); short protein forms R1802C, R1873C, R1807C.
Identifiers: ClinVar variation 1435109 (VCV001435109.7), dbSNP rs934038171, ClinGen allele CA65040620.

ClinVar aggregate classification (germline): Uncertain significance. Review status: criteria provided, multiple submitters, no conflicts (2 of 4 stars). 3 submissions from 3 submitters: Uncertain significance (3). Last evaluated 2024-08-14.

Allele frequency attached by ClinVar (database versions not stated): gnomAD 0.00004; gnomAD exomes 0.00004; TOPMed 0.00005.
gnomAD v4.1: 48 of 1,551,740 alleles (0.0031%); highest among the groups gnomAD compares: Middle Eastern, 0.033%; no homozygotes.

Submissions (3):

Women's Health and Genetics/Laboratory Corporation of America, LabCorp
Classification: Uncertain significance. Last evaluated: 2024-08-14. Review status: criteria provided, single submitter. Criteria: LabCorp Variant Classification Summary - May 2015. Collection method: clinical testing. Allele origin: germline.
Comment: Variant summary: UNC80 c.5419C>T (p.Arg1807Cys) results in a non-conservative amino acid change in the encoded protein sequence. Four of five in-silico tools predict a damaging effect of the variant on protein function. The variant allele was found at a frequency of 3.8e-05 in 157574 control chromosomes. The available data on variant occurrences in the general population are insufficient to allow any conclusion about variant significance. c.5419C>T has been reported in the literature in an individual affected with autism spectrum disorder (Stessman_2017). These report(s) do not provide any conclusions about association of the variant with Infantile Hypotonia With Psychomotor Retardation And Characteristic Facies 2. To our knowledge, no experimental evidence demonstrating an impact on protein function has been reported. The following publication have been ascertained in the context of this evaluation (PMID: 28191889). ClinVar contains an entry for this variant (Variation ID: 1435109). Based on the evidence outlined above, the variant was classified as uncertain significance.

Blueprint Genetics
Classification: Uncertain significance. Last evaluated: 2023-09-12. Review status: criteria provided, single submitter. Criteria: ACMG Guidelines, 2015. Collection method: clinical testing. Allele origin: germline.

Labcorp Genetics (formerly Invitae), Labcorp
Classification: Uncertain significance. Last evaluated: 2022-09-01. Review status: criteria provided, single submitter. Criteria: Invitae Variant Classification Sherloc (09022015). Collection method: clinical testing. Allele origin: germline.
Comment: This sequence change replaces arginine, which is basic and polar, with cysteine, which is neutral and slightly polar, at codon 1807 of the UNC80 protein (p.Arg1807Cys). This variant is present in population databases (no rsID available, gnomAD 0.008%). This missense change has been observed in individual(s) with UNC80-related conditions (PMID: 28191889). ClinVar contains an entry for this variant (Variation ID: 1435109). Algorithms developed to predict the effect of missense changes on protein structure and function are either unavailable or do not agree on the potential impact of this missense change (SIFT: "Not Available"; PolyPhen-2: "Probably Damaging"; Align-GVGD: "Not Available"). In summary, the available evidence is currently insufficient to determine the role of this variant in disease. Therefore, it has been classified as a Variant of Uncertain Significance.

Literature cited by the submitters: PubMed 28191889 (cited by Women's Health and Genetics/Laboratory Corporation of America, LabCorp and Labcorp Genetics (formerly Invitae), Labcorp).